The following is an entry in ClinVar:

ClinVar aggregate classification (germline): Uncertain significance (1 of 4 stars; one submission).

Submission:

Clinical Genomics Laboratory, Stanford Medicine
Classification: Uncertain significance. Last evaluated: 2023-01-24. Review status: criteria provided, single submitter. Criteria: ACMG Guidelines, 2015. Collection method: clinical testing. Allele origin: germline. Observed: 1 variant allele, 1 heterozygote.
Comment: The p.Ile209Thr variant in the ACTN2 gene has not been previously reported in association with disease. This variant was absent from large population databases, including the Genome Aggregation Database. The isoleucine at position 209 is moderately evolutionarily conserved. Computational tools predict that the p.Ile209Thr variant is deleterious; however, the accuracy of in silico algorithms is limited. These data were assessed using the ACMG/AMP variant interpretation guidelines. In summary, the significance of the p.Ile209Thr variant is uncertain. Additional information is needed to resolve the significance of this variant. [ACMG evidence codes used: PM2; PP3]

NM_001103.4(ACTN2):c.626T>C (p.Ile209Thr)

Gene: ACTN2 (actinin alpha 2; plus strand). Cytogenetic location: 1q43.
Variant type: single nucleotide variant.
Coding change: c.626T>C on transcript NM_001103.4 (MANE Select); coding-DNA position 626, T replaced by C.
Protein change: p.Ile209Thr; replaces isoleucine 209 with threonine.
Molecular consequence: missense variant. On other transcripts: non-coding transcript variant (1).
Genome position (GRCh38, 1-based): chr1:236,731,243, T>C. VCF-style: chr1-236731243-T-C. GRCh37 (hg19) VCF-style: chr1-236894543-T-C.
Other names: c.626T>C, p.Ile209Thr (NM_001278343.2); short protein forms I209T.
Identifiers: ClinVar variation 3893683 (VCV003893683.1).